The following is an entry in ClinVar:

NM_033004.4(NLRP1):c.2689C>A (p.Gln897Lys)

Gene: NLRP1 (NLR family pyrin domain containing 1; minus strand). Cytogenetic location: 17p13.2.
Variant type: single nucleotide variant.
Coding change: c.2689C>A on transcript NM_033004.4 (MANE Select); coding-DNA position 2689, C replaced by A.
Protein change: p.Gln897Lys; replaces glutamine 897 with lysine.
Molecular consequence: missense variant.
Genome position (GRCh38, 1-based): chr17:5,541,867, G>T on the plus strand (C>A on the coding strand, the complement: NLRP1 is on the minus strand). VCF-style: chr17-5541867-G-T. GRCh37 (hg19) VCF-style: chr17-5445187-G-T.
Other names: c.2689C>A, p.Gln897Lys (NM_033006.4, NM_033007.4, NM_001033053.3 and 1 more transcripts); short protein forms Q897K.
Identifiers: ClinVar variation 1968575 (VCV001968575.5), dbSNP rs1328582258, ClinGen allele CA397378653.

ClinVar aggregate classification (germline): Uncertain significance (1 of 4 stars; one submission).

Allele frequency attached by ClinVar (database versions not stated): gnomAD 0.00001; gnomAD exomes 0.00001; TOPMed 0.00001.
gnomAD v4.1: 16 of 1,613,864 alleles (0.00099%); highest among the groups gnomAD compares: Non-Finnish European, 0.0014%; no homozygotes.

Submission:

Labcorp Genetics (formerly Invitae), Labcorp
Classification: Uncertain significance. Last evaluated: 2022-07-03. Review status: criteria provided, single submitter. Criteria: Invitae Variant Classification Sherloc (09022015). Collection method: clinical testing. Allele origin: germline.
Comment: In summary, the available evidence is currently insufficient to determine the role of this variant in disease. Therefore, it has been classified as a Variant of Uncertain Significance. Algorithms developed to predict the effect of missense changes on protein structure and function (SIFT, PolyPhen-2, Align-GVGD) all suggest that this variant is likely to be tolerated. This variant has not been reported in the literature in individuals affected with NLRP1-related conditions. This variant is present in population databases (no rsID available, gnomAD 0.002%). This sequence change replaces glutamine, which is neutral and polar, with lysine, which is basic and polar, at codon 897 of the NLRP1 protein (p.Gln897Lys).